The following is an entry in ClinVar:

NM_003797.5(EED):c.44T>G (p.Met15Arg)

Gene: EED (embryonic ectoderm development; plus strand). Cytogenetic location: 11q14.2.
Variant type: single nucleotide variant.
Coding change: c.44T>G on transcript NM_003797.5 (MANE Select); coding-DNA position 44, T replaced by G.
Protein change: p.Met15Arg; replaces methionine 15 with arginine.
Molecular consequence: missense variant.
Genome position (GRCh38, 1-based): chr11:86,245,273, T>G. VCF-style: chr11-86245273-T-G. GRCh37 (hg19) VCF-style: chr11-85956315-T-G.
Other names: c.44T>G, p.Met15Arg (NM_001308007.2, NM_001330334.2); short protein forms M15R.
Identifiers: ClinVar variation 1475446 (VCV001475446.6), dbSNP rs1200518953, ClinGen allele CA382061092.
Genomic context (GRCh38, chr11:86,245,273, plus strand): 5'-GAGGGAGGCGGAGGAATATGTCCGAGAGGGAAGTGTCGACTGCGCCGGCGGGAACAGACA[T>G]GCCTGCGGCCAAGAAGCAGAAGCTGAGCAGTGACGAGAACAGCAATCCAGACCTCTCTGG-3'
Protein context (NP_003788.2, residues 5-25): EVSTAPAGTD[Met15Arg]PAAKKQKLSS

ClinVar aggregate classification (germline): Uncertain significance (1 of 4 stars; one submission).

Conditions:
Cohen-Gibson syndrome (COGIS). Also called: EED-Related Overgrowth. Identifiers: Orphanet 659396, MedGen C4479654, MONDO:0060510, OMIM 617561.

Allele frequency attached by ClinVar (database versions not stated): gnomAD 0.00001; gnomAD exomes 0.00001; TOPMed 0.00001.

Submission:

Labcorp Genetics (formerly Invitae), Labcorp
Classification: Uncertain significance for Cohen-Gibson syndrome. Last evaluated: 2021-10-29. Review status: criteria provided, single submitter. Criteria: Invitae Variant Classification Sherloc (09022015). Collection method: clinical testing. Allele origin: germline.
Comment: Algorithms developed to predict the effect of missense changes on protein structure and function (SIFT, PolyPhen-2, Align-GVGD) all suggest that this variant is likely to be tolerated. This variant has not been reported in the literature in individuals affected with EED-related conditions. This variant is present in population databases (no rsID available, gnomAD 0.003%). This sequence change replaces methionine, which is neutral and non-polar, with arginine, which is basic and polar, at codon 15 of the EED protein (p.Met15Arg). In summary, the available evidence is currently insufficient to determine the role of this variant in disease. Therefore, it has been classified as a Variant of Uncertain Significance.